The following is an entry in ClinVar:

NM_001370298.3(FGD4):c.1603G>A (p.Glu535Lys)

Gene: FGD4 (FYVE, RhoGEF and PH domain containing 4; plus strand). Cytogenetic location: 12p11.21.
Variant type: single nucleotide variant.
Coding change: c.1603G>A on transcript NM_001370298.3 (MANE Select); coding-DNA position 1603, G replaced by A.
Protein change: p.Glu535Lys; replaces glutamic acid 535 with lysine.
Molecular consequence: missense variant.
Genome position (GRCh38, 1-based): chr12:32,611,137, G>A. VCF-style: chr12-32611137-G-A. GRCh37 (hg19) VCF-style: chr12-32764071-G-A.
Other names: c.1447G>A, p.Glu483Lys (NM_001304481.2); c.448G>A, p.Glu150Lys (NM_001304483.2); c.160G>A, p.Glu54Lys (NM_001304484.2); c.913G>A, p.Glu305Lys (NM_001330373.2, NM_001330374.2, NM_001384130.1); c.640G>A, p.Glu214Lys (NM_001370297.1); c.1603G>A, p.Glu535Lys (NM_001384126.1); c.1192G>A, p.Glu398Lys (NM_001384127.1, NM_001384128.1, NM_001385118.1 and 1 more transcripts); short protein forms E305K, E398K, E483K, E54K, E150K, E214K, E535K.
Identifiers: ClinVar variation 641218 (VCV000641218.6), dbSNP rs756885149, ClinGen allele CA6506842.

ClinVar aggregate classification (germline): Uncertain significance (1 of 4 stars; one submission).

Conditions:
Charcot-Marie-Tooth disease type 4. Also called: Charcot-Marie-Tooth disease, type IV; Charcot-Marie-Tooth, Type 4. Identifiers: Orphanet 64749, MedGen C4082197, MONDO:0018995.

Allele frequency attached by ClinVar (database versions not stated): gnomAD exomes below 0.00001 and 0.00001; ExAC 0.00001.
gnomAD v4.1: 4 of 1,614,040 alleles (0.00025%); highest among the groups gnomAD compares: South Asian, 0.0011%; no homozygotes.

Submission:

Labcorp Genetics (formerly Invitae), Labcorp
Classification: Uncertain significance for Charcot-Marie-Tooth disease type 4. Last evaluated: 2022-12-02. Review status: criteria provided, single submitter. Criteria: Invitae Variant Classification Sherloc (09022015). Collection method: clinical testing. Allele origin: germline.
Comment: This variant is present in population databases (rs756885149, gnomAD 0.003%). In summary, the available evidence is currently insufficient to determine the role of this variant in disease. Therefore, it has been classified as a Variant of Uncertain Significance. Algorithms developed to predict the effect of sequence changes on RNA splicing suggest that this variant may create or strengthen a splice site. Algorithms developed to predict the effect of missense changes on protein structure and function (SIFT, PolyPhen-2, Align-GVGD) all suggest that this variant is likely to be disruptive. ClinVar contains an entry for this variant (Variation ID: 641218). This variant has not been reported in the literature in individuals affected with FGD4-related conditions. This sequence change replaces glutamic acid, which is acidic and polar, with lysine, which is basic and polar, at codon 398 of the FGD4 protein (p.Glu398Lys).